The following is an entry in ClinVar:

ClinVar aggregate classification (germline): Pathogenic (1 of 4 stars; one submission).

Submission:

Labcorp Genetics (formerly Invitae), Labcorp
Classification: Pathogenic. Last evaluated: 2024-05-23. Review status: criteria provided, single submitter. Criteria: Invitae Variant Classification Sherloc (09022015). Collection method: clinical testing. Allele origin: germline.
Comment: This sequence change creates a premature translational stop signal (p.Gln834*) in the ERCC6L2 gene. It is expected to result in an absent or disrupted protein product. Loss-of-function variants in ERCC6L2 are known to be pathogenic (PMID: 24507776, 27185855, 29146883, 29987015). This variant is not present in population databases (gnomAD no frequency). This variant has not been reported in the literature in individuals affected with ERCC6L2-related conditions. For these reasons, this variant has been classified as Pathogenic.

Literature cited by the submitters: PubMed 24507776; PubMed 27185855; PubMed 29146883; PubMed 29987015.

NM_020207.7(ERCC6L2):c.2467C>T (p.Gln823Ter)

Gene: ERCC6L2 (ERCC excision repair 6 like 2; plus strand). Cytogenetic location: 9q22.32.
Variant type: single nucleotide variant.
Coding change: c.2467C>T on transcript NM_020207.7 (MANE Select); coding-DNA position 2467, C replaced by T.
Protein change: p.Gln823Ter; replaces glutamine 823 with a stop codon.
Molecular consequence: nonsense. On other transcripts: non-coding transcript variant (1).
Genome position (GRCh38, 1-based): chr9:95,972,218, C>T. VCF-style: chr9-95972218-C-T. GRCh37 (hg19) VCF-style: chr9-98734500-C-T.
Other names: c.2467C>T, p.Gln823Ter (NM_001375291.1, NM_001375292.1, NM_001375293.1 and 1 more transcripts); short protein forms Q823*.
Identifiers: ClinVar variation 3654493 (VCV003654493.2).